The following is an entry in ClinVar:

ClinVar aggregate classification (germline): Conflicting classifications of pathogenicity. Review status: criteria provided, conflicting classifications (1 of 4 stars). 2 submissions from 2 submitters: Likely pathogenic (1); Uncertain significance (1). Last evaluated 2021-10-20.

Submissions (2):

Labcorp Genetics (formerly Invitae), Labcorp
Classification: Uncertain significance. Last evaluated: 2021-10-20. Review status: criteria provided, single submitter. Criteria: Invitae Variant Classification Sherloc (09022015). Collection method: clinical testing. Allele origin: germline.
Comment: In summary, the available evidence is currently insufficient to determine the role of this variant in disease. Therefore, it has been classified as a Variant of Uncertain Significance. This variant disrupts the p.Trp76 amino acid residue in LMX1B. Other variant(s) that disrupt this residue have been observed in individuals with LMX1B-related conditions (PMID: 15498463; Invitae), which suggests that this may be a clinically significant amino acid residue. Algorithms developed to predict the effect of missense changes on protein structure and function are either unavailable or do not agree on the potential impact of this missense change (SIFT: "Deleterious"; PolyPhen-2: "Probably Damaging"; Align-GVGD: "Class C0"). ClinVar contains an entry for this variant (Variation ID: 379916). This missense change has been observed in individual(s) with clinical features of nail-patella syndrome (Invitae). This variant is not present in population databases (ExAC no frequency). This sequence change replaces tryptophan with glycine at codon 76 of the LMX1B protein (p.Trp76Gly). The tryptophan residue is moderately conserved and there is a large physicochemical difference between tryptophan and glycine.

GeneDx
Classification: Likely pathogenic. Last evaluated: 2016-09-07. Review status: criteria provided, single submitter. Criteria: GeneDx Variant Classification (06012015). Collection method: clinical testing. Allele origin: germline. Affected: yes.
Comment: The W76G variant in the LMX1B gene has not been reported previously as a pathogenic variant, nor as a benign variant, to our knowledge. The W76G variant was not observed in approximately 6500 individuals of European and African American ancestry in the NHLBI Exome Sequencing Project, indicating it is not a common benign variant in these populations. The W76G variant is a semi-conservative amino acid substitution, which may impact secondary protein structure as these residues differ in some properties. This substitution occurs at a position within the first LIM zinc-binding domain that is conserved across species. In silico analysis predicts this variant is probably damaging to the protein structure/function. A missense variant in the same residue (W76R) has been reported in association with nail patella syndrome (Dunston et al., 2004). We interpret W76G as a likely pathogenic variant

Literature cited by the submitters: PubMed 15498463 (cited by Labcorp Genetics (formerly Invitae), Labcorp).

NM_001174147.2(LMX1B):c.226T>G (p.Trp76Gly)

Gene: LMX1B (LIM homeobox transcription factor 1 beta; plus strand). Cytogenetic location: 9q33.3.
Variant type: single nucleotide variant.
Coding change: c.226T>G on transcript NM_001174147.2 (MANE Select); coding-DNA position 226, T replaced by G.
Protein change: p.Trp76Gly; replaces tryptophan 76 with glycine.
Molecular consequence: missense variant.
Genome position (GRCh38, 1-based): chr9:126,615,469, T>G. VCF-style: chr9-126615469-T-G. GRCh37 (hg19) VCF-style: chr9-129377748-T-G.
Other names: c.226T>G, p.Trp76Gly (NM_001174146.2, NM_002316.4); short protein forms W76G.
Identifiers: ClinVar variation 379916 (VCV000379916.8), dbSNP rs1057520783, ClinGen allele CA16605467.
Genomic context (GRCh38, chr9:126,615,469, plus strand): 5'-TGCGAGGGCTGCCAGCGGCCCATCTCCGACCGCTTCCTGATGCGAGTCAACGAGTCGTCC[T>G]GGCACGAGGAGTGTTTGCAGTGCGCGGCGTGTCAGCAAGCCCTCACCACCAGCTGCTACT-3'
Protein context (NP_001167618.1, residues 66-86): RFLMRVNESS[Trp76Gly]HEECLQCAAC